The following is an entry in ClinVar:

NM_000136.3(FANCC):c.610C>A (p.Leu204Ile)

Genes: AOPEP (aminopeptidase O (putative); plus strand), FANCC (FA complementation group C; minus strand). Cytogenetic location: 9q22.32.
Variant type: single nucleotide variant.
Coding change: c.610C>A on transcript NM_000136.3 (MANE Select); coding-DNA position 610, C replaced by A.
Protein change: p.Leu204Ile; replaces leucine 204 with isoleucine.
Molecular consequence: missense variant.
Genome position (GRCh38, 1-based): chr9:95,149,999, G>T on the plus strand (C>A on the coding strand, the complement: FANCC is on the minus strand). VCF-style: chr9-95149999-G-T. GRCh37 (hg19) VCF-style: chr9-97912281-G-T.
Other names: c.610C>A, p.Leu204Ile (NM_001243743.2, NM_001243744.2); short protein forms L204I.
Identifiers: ClinVar variation 3230391 (VCV003230391.1), dbSNP rs1830064754, ClinGen allele CA374109673.
Genomic context (GRCh38, chr9:95,149,999, plus strand): 5'-TTACAGCCTCAAAGAACTCTGGCTGGAGGATTTCCTGAGGTTCACGTCCATGACAGATGA[G>T]GAGAGCCTCCACCAGGGGGTCAACATCTGTCAGGGTAATAAGTGGGACACAAACTCGTGA-3'
Protein context (NP_000127.2, residues 194-214): TDVDPLVEAL[Leu204Ile]ICHGREPQEI

ClinVar aggregate classification (germline): Uncertain significance (1 of 4 stars; one submission).

Conditions:
Hereditary cancer-predisposing syndrome. Also called: Neoplastic Syndromes, Hereditary; Tumor predisposition; Hereditary neoplastic syndrome; Hereditary Cancer Syndrome. Identifiers: Orphanet 140162, MedGen C0027672, MeSH D009386, MONDO:0015356.

Submission:

Ambry Genetics
Classification: Uncertain significance for Hereditary cancer-predisposing syndrome. Last evaluated: 2022-11-17. Review status: criteria provided, single submitter. Criteria: Ambry Variant Classification Scheme 2023. Collection method: clinical testing. Allele origin: germline.
Comment: The p.L204I variant (also known as c.610C>A), located in coding exon 6 of the FANCC gene, results from a C to A substitution at nucleotide position 610. The leucine at codon 204 is replaced by isoleucine, an amino acid with highly similar properties. This amino acid position is conserved. In addition, this alteration is predicted to be tolerated by in silico analysis. Since supporting evidence is limited at this time, the clinical significance of this alteration remains unclear.